The following is an entry in ClinVar:

NM_004415.4(DSP):c.3338G>C (p.Arg1113Pro)

Gene: DSP (desmoplakin; plus strand). Cytogenetic location: 6p24.3.
Variant type: single nucleotide variant.
Coding change: c.3338G>C on transcript NM_004415.4 (MANE Select); coding-DNA position 3338, G replaced by C.
Protein change: p.Arg1113Pro; replaces arginine 1113 with proline.
Molecular consequence: missense variant.
Genome position (GRCh38, 1-based): chr6:7,579,528, G>C. VCF-style: chr6-7579528-G-C. GRCh37 (hg19) VCF-style: chr6-7579761-G-C.
Other names: c.3338G>C, p.Arg1113Pro (NM_001008844.3, NM_001319034.2); short protein forms R1113P.
Identifiers: ClinVar variation 4784688 (VCV004784688.1).
Genomic context (GRCh38, chr6:7,579,528, plus strand): 5'-CTAAGCAAAATCTAGACAAGTGCTACGGCCAAATAAAAGAACTCAATGAGAAGATCACCC[G>C]ACTGACTTATGAGATTGAAGATGAAAAGAGAAGAAGAAAATCTGTGGAAGACAGATTTGA-3'
Protein context (NP_004406.2, residues 1103-1123): QIKELNEKIT[Arg1113Pro]LTYEIEDEKR

ClinVar aggregate classification (germline): Uncertain significance (1 of 4 stars; one submission).

Conditions:
Arrhythmogenic right ventricular dysplasia 8 (ARVD8). Also called: Arrhythmogenic Right Ventricular Dysplasia/Cardiomyopathy 8; ARRHYTHMOGENIC RIGHT VENTRICULAR DYSPLASIA, FAMILIAL, 8; ARRHYTHMOGENIC RIGHT VENTRICULAR CARDIOMYOPATHY 8. Identifiers: MedGen C1843896, MONDO:0011831, OMIM 607450.
Arrhythmogenic cardiomyopathy with wooly hair and keratoderma. Also called: PALMOPLANTAR KERATODERMA WITH LEFT VENTRICULAR CARDIOMYOPATHY AND WOOLLY HAIR; Arrhythmogenic cardiomyopathy with woolly hair and keratoderma; Carvajal syndrome; Dilated cardiomyopathy with woolly hair and keratoderma. Identifiers: Orphanet 65282, MedGen C1854063, MONDO:0011581, OMIM 605676.

Submission:

Labcorp Genetics (formerly Invitae), Labcorp
Classification: Uncertain significance for Arrhythmogenic cardiomyopathy with wooly hair and keratoderma; Arrhythmogenic right ventricular dysplasia 8. Last evaluated: 2025-04-11. Review status: criteria provided, single submitter. Criteria: Invitae Variant Classification Sherloc (09022015). Collection method: clinical testing. Allele origin: germline.
Comment: This sequence change replaces arginine, which is basic and polar, with proline, which is neutral and non-polar, at codon 1113 of the DSP protein (p.Arg1113Pro). This variant is not present in population databases (gnomAD no frequency). This variant has not been reported in the literature in individuals affected with DSP-related conditions. An algorithm developed to predict the effect of missense changes on protein structure and function (PolyPhen-2) suggests that this variant is likely to be disruptive. In summary, the available evidence is currently insufficient to determine the role of this variant in disease. Therefore, it has been classified as a Variant of Uncertain Significance.